The following is an entry in ClinVar:

NM_025257.3(SLC44A4):c.2032_2052dup (p.Pro684_Tyr685insAsnGlySerLeuAspArgPro)

Gene: SLC44A4 (solute carrier family 44 member 4; minus strand). Cytogenetic location: 6p21.33.
Variant type: Duplication.
Coding change: c.2032_2052dup on transcript NM_025257.3 (MANE Select); coding-DNA positions 2032 to 2052, 21 bases duplicated (AACGGCTCCCTGGACCGGCCC).
Protein change: p.Pro684_Tyr685insAsnGlySerLeuAspArgPro.
Molecular consequence: inframe insertion.
Genome position (GRCh38, 1-based): chr6:31,863,708-31,863,728, GGGCCGGTCCAGGGAGCCGTT duplicated on the plus strand (AACGGCTCCCTGGACCGGCCC on the coding strand, the reverse complement: SLC44A4 is on the minus strand); duplicating any 21 consecutive bases within chr6:31,863,708-31,863,729 gives the same sequence; the c. name uses the placement nearest the transcript's 3' end. VCF-style (leftmost placement, unchanged base first): chr6-31863707-A-AGGGCCGGTCCAGGGAGCCGTT. GRCh37 (hg19) VCF-style: chr6-31831484-A-AGGGCCGGTCCAGGGAGCCGTT.
Other names: c.1906_1926dup, p.Pro642_Tyr643insAsnGlySerLeuAspArgPro (NM_001178044.2); c.1804_1824dup, p.Pro608_Tyr609insAsnGlySerLeuAspArgPro (NM_001178045.2).
Identifiers: ClinVar variation 3626303 (VCV003626303.2).

ClinVar aggregate classification (germline): Uncertain significance (1 of 4 stars; one submission).

Submission:

Labcorp Genetics (formerly Invitae), Labcorp
Classification: Uncertain significance. Last evaluated: 2024-12-30. Review status: criteria provided, single submitter. Criteria: Invitae Variant Classification Sherloc (09022015). Collection method: clinical testing. Allele origin: germline.
Comment: This variant, c.2032_2052dup, results in the insertion of 7 amino acid(s) of the SLC44A4 protein (p.Asn678_Pro684dup), but otherwise preserves the integrity of the reading frame. This variant is present in population databases (rs755752282, gnomAD 0.003%). This variant has not been reported in the literature in individuals affected with SLC44A4-related conditions. In summary, the available evidence is currently insufficient to determine the role of this variant in disease. Therefore, it has been classified as a Variant of Uncertain Significance.